The following is an entry in ClinVar:

ClinVar aggregate classification (germline): Uncertain significance (1 of 4 stars; one submission).

Conditions:
Transcobalamin I deficiency (TCN1D). Also called: COBALAMIN PSEUDODEFICIENCY DUE TO TRANSCOBALAMIN DEFICIENCY; COBALAMIN R BINDER PROTEIN DEFICIENCY; TCN1 DEFICIENCY. Identifiers: Orphanet 2967, MedGen C0342700, MONDO:0008659, OMIM 193090.

Submission:

Labcorp Genetics (formerly Invitae), Labcorp
Classification: Uncertain significance for Transcobalamin I deficiency. Last evaluated: 2023-12-21. Review status: criteria provided, single submitter. Criteria: Invitae Variant Classification Sherloc (09022015). Collection method: clinical testing. Allele origin: germline.
Comment: This variant results in a copy number gain of the genomic region encompassing exon(s) 4 of the TCN1 gene. While the exact position of this variant cannot be determined from the data, sub-genic copy number gains are generally in tandem (PMID: 25640679). This variant is predicted to be in-frame, and likely preserves the integrity of the reading frame. This variant has not been reported in the literature in individuals affected with TCN1-related conditions. Experimental studies and prediction algorithms are not available or were not evaluated, and the functional significance of this variant is currently unknown. In summary, the available evidence is currently insufficient to determine the role of this variant in disease. Therefore, it has been classified as a Variant of Uncertain Significance.

Literature cited by the submitters: PubMed 25640679.

NC_000011.9:g.(?_59628980)_(59629175_?)dup

Gene: TCN1 (transcobalamin 1; minus strand). Cytogenetic location: 11q12.1.
Variant type: Duplication.
Identifiers: ClinVar variation 1019642 (VCV001019642.5).